The following is an entry in ClinVar:

ClinVar aggregate classification (germline): Pathogenic/Likely pathogenic. Review status: criteria provided, multiple submitters, no conflicts (2 of 4 stars). 6 submissions from 6 submitters: Pathogenic (4); Likely pathogenic (1). 1 of the submissions does not count toward it. Last evaluated 2025-05-14.

Conditions:
ABCA4-related disorder. Also called: ABCA4-related condition; ABCA4-related disorders. Identifiers: MedGen CN239167.
Retinal dystrophy. Also called: Inherited retinal dystrophy. Identifiers: Orphanet 71862, MedGen C0854723, MeSH D058499, MONDO:0019118, HP:0000556.
Severe early-childhood-onset retinal dystrophy (STGD1). Also called: MACULAR DYSTROPHY WITH FLECKS, TYPE 1; STGD; Stargardt macular dystrophy; Juvenile onset macular degeneration; Stargardt disease 1. Identifiers: Orphanet 364055, Orphanet 827, MedGen C1855465, MeSH D000080362, MONDO:0009549, OMIM 248200.

Submissions (6):

Labcorp Genetics (formerly Invitae), Labcorp
Classification: Pathogenic. Last evaluated: 2025-05-14. Review status: criteria provided, single submitter. Criteria: Invitae Variant Classification Sherloc (09022015). Collection method: clinical testing. Allele origin: germline.
Comment: This sequence change creates a premature translational stop signal (p.Asp342Glyfs*6) in the ABCA4 gene. It is expected to result in an absent or disrupted protein product. Loss-of-function variants in ABCA4 are known to be pathogenic (PMID: 10958761, 24938718, 25312043, 26780318). This variant is present in population databases (rs63749083, gnomAD 0.003%). This premature translational stop signal has been observed in individual(s) with Stargardt disease (PMID: 11379881, 32141364, 32619608). ClinVar contains an entry for this variant (Variation ID: 99026). For these reasons, this variant has been classified as Pathogenic.

Blueprint Genetics
Classification: Pathogenic for ABCA4-related disorders. Last evaluated: 2022-09-20. Review status: criteria provided, single submitter. Criteria: ACMG Guidelines, 2015. Collection method: clinical testing. Allele origin: germline. Affected: yes. Observed: 5 variant alleles.

Institute of Human Genetics, Univ. Regensburg, Univ. Regensburg
Classification: Pathogenic for Retinal dystrophy. Last evaluated: 2020-01-01. Review status: criteria provided, single submitter. Criteria: ACMG Guidelines, 2015. Collection method: clinical testing. Allele origin: germline. Affected: yes.

Mendelics
Classification: Pathogenic for Severe early-childhood-onset retinal dystrophy. Last evaluated: 2019-05-28. Review status: criteria provided, single submitter. Criteria: Mendelics Assertion Criteria 2017. Collection method: clinical testing. Allele origin: unknown.

CeGaT Center for Human Genetics Tuebingen
Classification: Likely pathogenic. Last evaluated: 2018-04-01. Review status: criteria provided, single submitter. Criteria: CeGaT Center For Human Genetics Tuebingen Variant Classification Criteria Version 2. Collection method: clinical testing. Allele origin: germline. Affected: yes. Observed: 4 variant alleles.

Retina International
No classification provided. Review status: no classification provided. Collection method: not provided. Allele origin: not provided. Not counted in ClinVar's aggregate classification.

Literature cited by the submitters: PubMed 10958761 (cited by Labcorp Genetics (formerly Invitae), Labcorp); PubMed 24938718 (cited by Labcorp Genetics (formerly Invitae), Labcorp); PubMed 25312043 (cited by Labcorp Genetics (formerly Invitae), Labcorp); PubMed 26780318 (cited by Labcorp Genetics (formerly Invitae), Labcorp); PubMed 11379881 (cited by Labcorp Genetics (formerly Invitae), Labcorp and Institute of Human Genetics, Univ. Regensburg, Univ. Regensburg); PubMed 32141364 (cited by Labcorp Genetics (formerly Invitae), Labcorp and Institute of Human Genetics, Univ. Regensburg, Univ. Regensburg); PubMed 32619608 (cited by Labcorp Genetics (formerly Invitae), Labcorp and Institute of Human Genetics, Univ. Regensburg, Univ. Regensburg); PubMed 31589614 (cited by Institute of Human Genetics, Univ. Regensburg, Univ. Regensburg); PubMed 31964843 (cited by Institute of Human Genetics, Univ. Regensburg, Univ. Regensburg); PubMed 32531858 (cited by Institute of Human Genetics, Univ. Regensburg, Univ. Regensburg); PubMed 35119454 (cited by Institute of Human Genetics, Univ. Regensburg, Univ. Regensburg).

NM_000350.3(ABCA4):c.1025_1038del (p.Asp342fs)

Gene: ABCA4 (ATP binding cassette subfamily A member 4; minus strand). Cytogenetic location: 1p22.1.
Variant type: Deletion.
Coding change: c.1025_1038del on transcript NM_000350.3 (MANE Select); coding-DNA positions 1025 to 1038, 14 bases deleted (ACAATAACTATAAG).
Protein change: p.Asp342fs; shifts the reading frame from aspartic acid 342.
Molecular consequence: frameshift variant.
Genome position (GRCh38, 1-based): chr1:94,080,539-94,080,552, CTTATAGTTATTGT deleted on the plus strand (ACAATAACTATAAG on the coding strand, the reverse complement: ABCA4 is on the minus strand); deleting any 14 consecutive bases within chr1:94,080,539-94,080,555 gives the same sequence; the c. name uses the placement nearest the transcript's 3' end. VCF-style (leftmost placement, unchanged base first): chr1-94080538-CCTTATAGTTATTGT-C. GRCh37 (hg19) VCF-style: chr1-94546094-CCTTATAGTTATTGT-C.
Other names: c.1022_1035delAAGACAATAACTAT, p.Asp342Glyfs (NM_001425324.1); short protein forms D342fs.
Identifiers: ClinVar variation 99026 (VCV000099026.51), dbSNP rs63749083, ClinGen allele CA226861.
Genomic context (GRCh38, chr1:94,080,538, plus strand): 5'-TTGTTCTTCTGTCATAAGAATAGATAGGATCCTTCCTTGTGGAGTCAATCCCCAGAAAGG[CCTTATAGTTATTGT>C]CTTCATACCAGTTGAAGGAGAGCACCCGAGAGCCACCTCCCTCGGGGTAGCCACACAGGA-3'